The following is an entry in ClinVar:

NM_013382.7(POMT2):c.133C>G (p.Pro45Ala)

Gene: POMT2 (protein O-mannosyltransferase 2; minus strand). Cytogenetic location: 14q24.3.
Variant type: single nucleotide variant.
Coding change: c.133C>G on transcript NM_013382.7 (MANE Select); coding-DNA position 133, C replaced by G.
Protein change: p.Pro45Ala; replaces proline 45 with alanine.
Molecular consequence: missense variant.
Genome position (GRCh38, 1-based): chr14:77,320,549, G>C on the plus strand (C>G on the coding strand, the complement: POMT2 is on the minus strand). VCF-style: chr14-77320549-G-C. GRCh37 (hg19) VCF-style: chr14-77786892-G-C.
Other names: short protein forms P45A.
Identifiers: ClinVar variation 1504123 (VCV001504123.8), dbSNP rs780976004, ClinGen allele CA390504633.
Genomic context (GRCh38, chr14:77,320,549, plus strand): 5'-TCACCAAGGCCAGCAGGGCCCACCAGCCGACCGCCTCGAAGCGCCGTGAGCCCCAAGCAG[G>C]CCGTTTGGGGCTTCGCGCCACAGCCTCAGCGGCCACGTCCCGGCCTGCGGCCCTAGCAGC-3'
Protein context (NP_037514.2, residues 35-55): AEAVARSPKR[Pro45Ala]AWGSRRFEAV

ClinVar aggregate classification (germline): Uncertain significance (1 of 4 stars; one submission).

Conditions:
Muscular dystrophy-dystroglycanopathy (congenital with impaired intellectual development), type B, 2. Also called: Muscular dystrophy-dystroglycanopathy (congenital with intellectual disability), type B2; MUSCULAR DYSTROPHY, CONGENITAL, POMT2-RELATED. Identifiers: MedGen C3150416, MONDO:0013160, OMIM 613156.
Autosomal recessive limb-girdle muscular dystrophy type 2N. Also called: MUSCULAR DYSTROPHY-DYSTROGLYCANOPATHY, LIMB-GIRDLE, POMT2-RELATED; Muscular dystrophy-dystroglycanopathy (limb-girdle), type C, 2. Identifiers: Orphanet 206559, MedGen C3150418, MONDO:0013162, OMIM 613158.
Muscular dystrophy-dystroglycanopathy (congenital with brain and eye anomalies), type A2. Also called: MUSCULAR DYSTROPHY-DYSTROGLYCANOPATHY (CONGENITAL WITH BRAIN AND EYE ANOMALIES), TYPE A, 2; WALKER-WARBURG SYNDROME OR MUSCLE-EYE-BRAIN DISEASE, POMT2-RELATED. Identifiers: Orphanet 588, Orphanet 899, MedGen C3150411, MONDO:0013154, OMIM 613150.

Submission:

Labcorp Genetics (formerly Invitae), Labcorp
Classification: Uncertain significance for Muscular dystrophy-dystroglycanopathy (congenital with impaired intellectual development), type B, 2; Muscular dystrophy-dystroglycanopathy (congenital with brain and eye anomalies), type A2; Autosomal recessive limb-girdle muscular dystrophy type 2N. Last evaluated: 2022-05-06. Review status: criteria provided, single submitter. Criteria: Invitae Variant Classification Sherloc (09022015). Collection method: clinical testing. Allele origin: germline.
Comment: In summary, the available evidence is currently insufficient to determine the role of this variant in disease. Therefore, it has been classified as a Variant of Uncertain Significance. Algorithms developed to predict the effect of missense changes on protein structure and function are either unavailable or do not agree on the potential impact of this missense change (SIFT: "Deleterious"; PolyPhen-2: "Benign"; Align-GVGD: "Class C0"). This variant has not been reported in the literature in individuals affected with POMT2-related conditions. This variant is not present in population databases (gnomAD no frequency). This sequence change replaces proline, which is neutral and non-polar, with alanine, which is neutral and non-polar, at codon 45 of the POMT2 protein (p.Pro45Ala).